The following is an entry in ClinVar:

ClinVar aggregate classification (germline): Uncertain significance (1 of 4 stars; one submission).

Submission:

Dasa
Classification: Uncertain significance. Last evaluated: 2026-03-19. Review status: criteria provided, single submitter. Criteria: DASA Assertion Criteria. Collection method: clinical testing. Allele origin: germline.
Comment: NM_014698.3(TMEM63A):c.1754T>G (p.Met585Arg) is a missense variant that results in the substitution of methionine with arginine. This variant is rare in population databases. The currently available literature and clinical evidence are not sufficient to establish a definitive association between this variant and the reported condition. Therefore, this variant is classified as a variant of uncertain significance.

NM_014698.3(TMEM63A):c.1754T>G (p.Met585Arg)

Gene: TMEM63A (transmembrane protein 63A; minus strand). Cytogenetic location: 1q42.12.
Variant type: single nucleotide variant.
Coding change: c.1754T>G on transcript NM_014698.3 (MANE Select); coding-DNA position 1754, T replaced by G.
Protein change: p.Met585Arg; replaces methionine 585 with arginine.
Molecular consequence: missense variant.
Genome position (GRCh38, 1-based): chr1:225,853,672, A>C on the plus strand (T>G on the coding strand, the complement: TMEM63A is on the minus strand). VCF-style: chr1-225853672-A-C. GRCh37 (hg19) VCF-style: chr1-226041373-A-C.
Other names: short protein forms M585R.
Identifiers: ClinVar variation 4881776 (VCV004881776.2).